The following is an entry in ClinVar:

NM_000487.6(ARSA):c.*1769A>G

Gene: ARSA (arylsulfatase A; minus strand). Cytogenetic location: 22q13.33.
Variant type: single nucleotide variant.
Coding change: c.*1769A>G on transcript NM_000487.6 (MANE Select); 1769 bases downstream of the stop codon, A replaced by G.
Molecular consequence: 3 prime UTR variant.
Genome position (GRCh38, 1-based): chr22:50,623,376, T>C on the plus strand (A>G on the coding strand, the complement: ARSA is on the minus strand). VCF-style: chr22-50623376-T-C. GRCh37 (hg19) VCF-style: chr22-51061804-T-C.
Other names: c.*1769A>G (NM_001085425.3, NM_001085426.3, NM_001085427.3 and 2 more transcripts).
Identifiers: ClinVar variation 342191 (VCV000342191.6), dbSNP rs56788262, ClinGen allele CA10654213.
Genomic context (GRCh38, chr22:50,623,376, plus strand): 5'-CTGGGGGGAAGGGGGTGTGGGTGGAGGCCTCAAGGGCAAACTGGGTCACTGTAAGGGGTT[T>C]GGATTTTCTTCTGAGAAGCCTGCGAAATTTTGAGCAGGAATAGATGCTCAAGCCCAGCCT-3'

ClinVar aggregate classification (germline): Benign. Review status: criteria provided, multiple submitters, no conflicts (2 of 4 stars). 2 submissions from 2 submitters: Benign (2). Last evaluated 2018-01-12.

Conditions:
Metachromatic leukodystrophy (MLD). Also called: ARSA DEFICIENCY; CEREBROSIDE SULFATASE DEFICIENCY; METACHROMATIC LEUKOENCEPHALOPATHY; SULFATIDE LIPIDOSIS; Cerebral sclerosis diffuse metachromatic form; Arylsulfatase A Deficiency. Identifiers: Orphanet 512, MedGen C0023522, MONDO:0018868, OMIM 250100.

Allele frequency attached by ClinVar (database versions not stated): gnomAD 0.02604 and 0.02807; 1000 Genomes Project 0.02696; TOPMed 0.02927; 1000 Genomes Project 30x 0.03061; gnomAD exomes 0.06250.

Submissions (2):

Illumina Laboratory Services, Illumina
Classification: Benign for Metachromatic leukodystrophy. Last evaluated: 2018-01-12. Review status: criteria provided, single submitter. Criteria: ICSL Variant Classification Criteria 13 December 2019. Collection method: clinical testing. Allele origin: germline.
Comment: This variant was observed in the ICSL laboratory as part of a predisposition screen in an ostensibly healthy population. It had not been previously curated by ICSL or reported in the Human Gene Mutation Database (HGMD: prior to June 1st, 2018), and was therefore a candidate for classification through an automated scoring system. Utilizing variant allele frequency, disease prevalence and penetrance estimates, and inheritance mode, an automated score was calculated to assess if this variant is too frequent to cause the disease. Based on the score and internal cut-off values, a variant classified as benign is not then subjected to further curation. The score for this variant resulted in a classification of benign for this disease.

Breakthrough Genomics
Classification: Benign. Review status: criteria provided, single submitter. Criteria: ACMG Guidelines, 2015. Collection method: not provided. Allele origin: germline. Inheritance: Autosomal recessive inheritance. Affected: yes.